The following is an entry in ClinVar:

ClinVar aggregate classification (germline): Uncertain significance (1 of 4 stars; one submission).

Allele frequency attached by ClinVar (database versions not stated): gnomAD exomes 0.00001 and 0.00005; TOPMed 0.00001; ExAC 0.00001; gnomAD 0.00001 and 0.00002.
gnomAD v4.1: 66 of 1,610,278 alleles (0.0041%); highest among the groups gnomAD compares: East Asian, 0.14%; no homozygotes.

Submission:

Labcorp Genetics (formerly Invitae), Labcorp
Classification: Uncertain significance. Last evaluated: 2021-12-06. Review status: criteria provided, single submitter. Criteria: Invitae Variant Classification Sherloc (09022015). Collection method: clinical testing. Allele origin: germline.
Comment: In summary, the available evidence is currently insufficient to determine the role of this variant in disease. Therefore, it has been classified as a Variant of Uncertain Significance. Advanced modeling of protein sequence and biophysical properties (such as structural, functional, and spatial information, amino acid conservation, physicochemical variation, residue mobility, and thermodynamic stability) performed at Invitae indicates that this missense variant is not expected to disrupt ROR2 protein function. This variant has not been reported in the literature in individuals affected with ROR2-related conditions. This variant is present in population databases (rs768469342, gnomAD 0.02%). This sequence change replaces alanine, which is neutral and non-polar, with valine, which is neutral and non-polar, at codon 209 of the ROR2 protein (p.Ala209Val).

NM_004560.4(ROR2):c.626C>T (p.Ala209Val)

Gene: ROR2 (ROR family WNT receptor 2; minus strand). Cytogenetic location: 9q22.31.
Variant type: single nucleotide variant.
Coding change: c.626C>T on transcript NM_004560.4 (MANE Select); coding-DNA position 626, C replaced by T.
Protein change: p.Ala209Val; replaces alanine 209 with valine.
Molecular consequence: missense variant.
Genome position (GRCh38, 1-based): chr9:91,733,433, G>A on the plus strand (C>T on the coding strand, the complement: ROR2 is on the minus strand). VCF-style: chr9-91733433-G-A. GRCh37 (hg19) VCF-style: chr9-94495715-G-A.
Other names: c.626C>T, p.Ala209Val (NM_001318204.2); short protein forms A209V.
Identifiers: ClinVar variation 1426083 (VCV001426083.7), dbSNP rs768469342, ClinGen allele CA5120932.